The following is an entry in ClinVar:

ClinVar aggregate classification (germline): Pathogenic (1 of 4 stars; one submission).

Conditions:
Ellis-van Creveld syndrome (EVC). Also called: EVC-Related Ellis-van Creveld Syndrome; EVC2-Related Ellis-van Creveld Syndrome; MESOECTODERMAL DYSPLASIA; Chondroectodermal dysplasia. Identifiers: Orphanet 289, MedGen C0013903, MONDO:0009162, OMIM 225500.
Curry-Hall syndrome (WAD). Also called: WEYERS ACRODENTAL DYSOSTOSIS. Identifiers: Orphanet 952, MedGen C0457013, MONDO:0008673, OMIM 193530.

Submission:

Labcorp Genetics (formerly Invitae), Labcorp
Classification: Pathogenic for Curry-Hall syndrome; Ellis-van Creveld syndrome. Last evaluated: 2021-06-08. Review status: criteria provided, single submitter. Criteria: Invitae Variant Classification Sherloc (09022015). Collection method: clinical testing. Allele origin: germline.
Comment: For these reasons, this variant has been classified as Pathogenic. Algorithms developed to predict the effect of sequence changes on RNA splicing suggest that this variant may disrupt the consensus splice site, but this prediction has not been confirmed by published transcriptional studies. This variant has been observed in individual(s) with Ellis-van Creveld syndrome (PMID: 25046119). In at least one individual the data is consistent with the variant being in trans (on the opposite chromosome) from a pathogenic variant. This sequence change affects a donor splice site in intron 1 of the EVC gene. It is expected to disrupt RNA splicing. Variants that disrupt the donor or acceptor splice site typically lead to a loss of protein function (PMID: 16199547), and loss-of-function variants in EVC are known to be pathogenic (PMID: 23220543). The frequency data for this variant in the population databases is considered unreliable, as metrics indicate insufficient coverage at this position in the ExAC database.

Literature cited by the submitters: PubMed 25046119; PubMed 16199547; PubMed 23220543.

NM_153717.3(EVC):c.174+1G>T

Gene: EVC (EvC ciliary complex subunit 1; plus strand). Cytogenetic location: 4p16.2.
Variant type: single nucleotide variant.
Coding change: c.174+1G>T on transcript NM_153717.3 (MANE Select); the canonical splice donor site of the intron after coding-DNA position 174, G replaced by T.
Molecular consequence: splice donor variant.
Genome position (GRCh38, 1-based): chr4:5,711,555, G>T. VCF-style: chr4-5711555-G-T. GRCh37 (hg19) VCF-style: chr4-5713282-G-T.
Other names: c.174+1G>T (NM_001306090.2, NM_001306092.2).
Identifiers: ClinVar variation 1458804 (VCV001458804.9), dbSNP rs2151768710, ClinGen allele CA356156775.